The following is an entry in ClinVar:

NM_000551.4(VHL):c.340+1G>A

Gene: VHL (von Hippel-Lindau tumor suppressor; plus strand). Cytogenetic location: 3p25.3.
Variant type: single nucleotide variant.
Coding change: c.340+1G>A on transcript NM_000551.4 (MANE Select); the canonical splice donor site of the intron after coding-DNA position 340, G replaced by A.
Molecular consequence: splice donor variant.
Genome position (GRCh38, 1-based): chr3:10,142,188, G>A. VCF-style: chr3-10142188-G-A. GRCh37 (hg19) VCF-style: chr3-10183872-G-A.
Other names: c.340+1G>A (NM_001354723.2, NM_198156.3).
Identifiers: ClinVar variation 223190 (VCV000223190.16), dbSNP rs730882032, ClinGen allele CA357042.

ClinVar aggregate classification (germline): Pathogenic. Review status: criteria provided, multiple submitters, no conflicts (2 of 4 stars). 5 submissions from 5 submitters: Pathogenic (2). 3 of the submissions do not count toward it. Last evaluated 2023-07-25.

Conditions:
Von Hippel-Lindau syndrome (VHLS). Also called: Von Hippel-Lindau; von Hippel–Lindau syndrome; VHL syndrome. Identifiers: Orphanet 892, MedGen C0019562, MONDO:0008667, OMIM 193300. Disease mechanism: loss of function.
Chuvash polycythemia. Also called: POLYCYTHEMIA, VHL-DEPENDENT. Identifiers: Orphanet 238557, MedGen C1837915, MONDO:0009892, OMIM 263400.
Hereditary cancer-predisposing syndrome. Also called: Tumor predisposition; Hereditary neoplastic syndrome; Neoplastic Syndromes, Hereditary; Hereditary Cancer Syndrome. Identifiers: Orphanet 140162, MedGen C0027672, MeSH D009386, MONDO:0015356.

Submissions (6):

Labcorp Genetics (formerly Invitae), Labcorp
Classification: Pathogenic for Von Hippel-Lindau syndrome; Chuvash polycythemia. Last evaluated: 2023-07-25. Review status: criteria provided, single submitter. Criteria: Invitae Variant Classification Sherloc (09022015). Collection method: clinical testing. Allele origin: germline.
Comment: This sequence change affects a donor splice site in intron 1 of the VHL gene. It is expected to disrupt RNA splicing. Variants that disrupt the donor or acceptor splice site typically lead to a loss of protein function (PMID: 16199547), and loss-of-function variants in VHL are known to be pathogenic (PMID: 8956040, 12202531). This variant is not present in population databases (gnomAD no frequency). Disruption of this splice site has been observed in individuals with clinical features of von Hippel-Lindau syndrome (PMID: 9829912, 20518900, 20850701, 27527340, 30900640; Invitae). This variant is also known as IVS1+1G>A. ClinVar contains an entry for this variant (Variation ID: 223190). RNA analysis provides insufficient evidence to determine the effect of this variant on VHL splicing (Invitae). For these reasons, this variant has been classified as Pathogenic.

Ambry Genetics
Classification: Pathogenic for Hereditary cancer-predisposing syndrome. Last evaluated: 2022-08-03. Review status: criteria provided, single submitter. Criteria: Ambry Variant Classification Scheme 2023. Collection method: clinical testing. Allele origin: germline.
Comment: The c.340+1G>A intronic variant results from a G to A substitution one nucleotide after coding exon 1 of the VHL gene. Alterations that disrupt the canonical splice site are expected to cause aberrant splicing, resulting in an abnormal protein or a transcript that is subject to nonsense-mediated mRNA decay. This variant was not reported in population-based cohorts in the Genome Aggregation Database (gnomAD). This alteration (also known as c.553+1G>A and IVS+1G>A) was reported in multiple individuals meeting clinical criteria for Von Hippel-Lindau syndrome (VHLS) (Dollfus, 2002; Palui, 2019; Ambry internal data) and multiple additional individuals with primary features of VHLS (Olschwang, 1998; Cybulski, 2004; Rao, 2010; Zhou, 2010). This nucleotide position is highly conserved in available vertebrate species. In silico splice site analysis predicts that this alteration will weaken the native splice donor site and may result in the creation or strengthening of a novel splice donor site. Based on the available evidence, this alteration is classified as pathogenic.

Genomic Diagnostic Laboratory, Division of Genomic Diagnostics, Children's Hospital of Philadelphia
Classification: Pathogenic for Von Hippel-Lindau syndrome. Last evaluated: 2016-02-26. Review status: no assertion criteria provided. Collection method: clinical testing. Allele origin: germline. Observed: 3 variant alleles. Not counted in ClinVar's aggregate classification.

Dr. Peter K. Rogan Lab, Western University
No classification provided (evidence only). Condition: Clear cell carcinoma of kidney. Review status: no classification provided. Collection method: in vitro. Allele origin: not applicable. Functional consequence: retained intron. Not counted in ClinVar's aggregate classification.

Genome Diagnostics Laboratory, University Medical Center Utrecht
Classification: Pathogenic. Review status: no assertion criteria provided. Collection method: clinical testing. Allele origin: germline. Affected: yes. Study: VKGL Data-share Consensus. Not counted in ClinVar's aggregate classification.

Joint Genome Diagnostic Labs from Nijmegen and Maastricht, Radboudumc and MUMC+
Classification: Pathogenic. Review status: no assertion criteria provided. Collection method: clinical testing. Allele origin: germline. Affected: yes. Study: VKGL Data-share Consensus. Not counted in ClinVar's aggregate classification.

Literature cited by the submitters: PubMed 16199547 (cited by Labcorp Genetics (formerly Invitae), Labcorp); PubMed 8956040 (cited by Labcorp Genetics (formerly Invitae), Labcorp); PubMed 12202531 (cited by Labcorp Genetics (formerly Invitae), Labcorp and Ambry Genetics); PubMed 9829912 (cited by Labcorp Genetics (formerly Invitae), Labcorp and Ambry Genetics); PubMed 20518900 (cited by Labcorp Genetics (formerly Invitae), Labcorp and Ambry Genetics); PubMed 20850701 (cited by Labcorp Genetics (formerly Invitae), Labcorp and Ambry Genetics); PubMed 27527340 (cited by Labcorp Genetics (formerly Invitae), Labcorp); PubMed 30900640 (cited by Labcorp Genetics (formerly Invitae), Labcorp and Ambry Genetics); PubMed 20233476 (cited by Ambry Genetics).